The following is an entry in ClinVar:

ClinVar aggregate classification (germline): Pathogenic/Likely pathogenic. Review status: criteria provided, multiple submitters, no conflicts (2 of 4 stars). 3 submissions from 3 submitters: Pathogenic (1); Likely pathogenic (2). Last evaluated 2024-06-07.

Conditions:
Mucopolysaccharidosis, MPS-II (MPS2). Also called: Hunter Syndrome; Mucopolysaccharidosis with skin involvement; Mucopolysaccharidosis type 2; IDURONATE 2-SULFATASE DEFICIENCY; Mucopolysaccharidosis Type II; IDS deficiency. Identifiers: Orphanet 580, Orphanet 79388, MedGen C0026705, MONDO:0010674, OMIM 309900.

Submissions (3):

Laboratory of Diagnosis and Therapy of Lysosomal Disorders, University of Padova
Classification: Likely pathogenic for Mucopolysaccharidosis, MPS-II. Last evaluated: 2024-06-07. Review status: criteria provided, single submitter. Criteria: ACMG Guidelines, 2015. Collection method: literature only. Allele origin: germline. Affected: yes. Observed: 2 variant alleles.
Comment: Absent from controls (or at low frequency) in gnomAD database (PM2_Moderate), Missense variant in a gene with a low rate of benign missense variation (PP2_Supporting), Multiple lines of computational evidence support a deleterious effect (PP3_Supporting), Patient’s phenotype or family history highly specific for the disease (PP4_Moderate)

Classification method: ACMG Guidelines [PMID:25741868] with modifications

Genome-Nilou Lab
Classification: Likely pathogenic for Mucopolysaccharidosis, MPS-II. Last evaluated: 2021-09-05. Review status: criteria provided, single submitter. Criteria: ACMG Guidelines, 2015. Collection method: clinical testing. Allele origin: germline. Affected: no.

IIFP, CONICET-UNLP
Classification: Pathogenic for Mucopolysaccharidosis, MPS-II. Last evaluated: 2010-05-17. Review status: criteria provided, single submitter. Criteria: ACMG Guidelines, 2007. Collection method: research. Allele origin: de novo. Inheritance: X-linked inheritance. Affected: yes. Observed: 1 variant allele.

Literature cited by the submitters: PubMed 27896113 (cited by Laboratory of Diagnosis and Therapy of Lysosomal Disorders, University of Padova); PubMed 30809705 (cited by Laboratory of Diagnosis and Therapy of Lysosomal Disorders, University of Padova); DOI 10.1016/j.ymgmr.2014.08.006 (cited by IIFP, CONICET-UNLP).

NM_000202.8(IDS):c.592G>A (p.Asp198Asn)

Genes: IDS (iduronate 2-sulfatase; minus strand), LOC106050102 (IDS recombination region; plus strand). Cytogenetic location: Xq28.
Variant type: single nucleotide variant.
Coding change: c.592G>A on transcript NM_000202.8 (MANE Select); coding-DNA position 592, G replaced by A.
Protein change: p.Asp198Asn; replaces aspartic acid 198 with asparagine.
Molecular consequence: missense variant. On other transcripts: non-coding transcript variant (1).
Genome position (GRCh38, 1-based): chrX:149,498,223, C>T on the plus strand (G>A on the coding strand, the complement: IDS is on the minus strand). VCF-style: chrX-149498223-C-T. GRCh37 (hg19) VCF-style: chrX-148579754-C-T.
Other names: c.322G>A, p.Asp108Asn (NM_001166550.4); c.592G>A, p.Asp198Asn (NM_006123.5); short protein forms D198N, D108N.
Identifiers: ClinVar variation 221210 (VCV000221210.7), dbSNP rs193302904, ClinGen allele CA348283.
Genomic context (GRCh38, chrX:149,498,223, plus strand): 5'-GACTGGCTGACGTTTTCATCTTTTCCAACAACTGTATGGCTTGCTCAGTGCTCTGTTTGT[C>T]AGGCAAGGTGCCCTCGGGAACATCCAGCACATCCACAGGGCAAAGCAGGTTGGCATGGAG-3'
Protein context (NP_000193.1, residues 188-208): VLDVPEGTLP[Asp198Asn]KQSTEQAIQL